The following is an entry in ClinVar:

ClinVar aggregate classification (germline): Conflicting classifications of pathogenicity. Review status: criteria provided, conflicting classifications (1 of 4 stars). 2 submissions from 2 submitters: Likely pathogenic (1); Uncertain significance (1). Last evaluated 2026-04-24.

Conditions:
Polycystic kidney disease, adult type (PKD1). Also called: Polycystic Kidney Disease 1, Autosomal Dominant; Polycystic kidney disease 1; Polycystic kidney disease 1, severe; Polycystic Kidney, Autosomal Dominant; POLYCYSTIC KIDNEY DISEASE 1 WITH OR WITHOUT POLYCYSTIC LIVER DISEASE; POLYCYSTIC KIDNEY DISEASE, ADULT, TYPE I. Identifiers: MedGen C3149841, MONDO:0008263, OMIM 173900.

Submissions (2):

Women's Health and Genetics/Laboratory Corporation of America, LabCorp
Classification: Uncertain significance. Last evaluated: 2026-04-24. Review status: criteria provided, single submitter. Criteria: LabCorp Variant Classification Summary - May 2015. Collection method: clinical testing. Allele origin: germline.
Comment: Variant summary: PKD1 c.8558T>C (p.Phe2853Ser) results in a non-conservative amino acid change in the encoded protein sequence. Algorithms developed to predict the effect of missense changes on protein structure and function all suggest that this variant is likely to be disruptive. The variant was absent in 238776 control chromosomes (gnomAD). c.8558T>C has been observed in individuals affected with Polycystic Kidney Disease 1 (e.g. Garcia-Gonzalez_2007, Jin_2016). These data do not allow any conclusion about variant significance. At least one publication reports experimental evidence evaluating an impact on protein function, finding that the variant results in impaired GPS site cleaveage and tubulogenic properties (Qian_2002, Garcia-Gonzalez_2007). ClinVar contains an entry for this variant (Variation ID: 3579165). Based on the evidence outlined above, the variant was classified as VUS-possibly pathogenic.

Fulgent Genetics
Classification: Likely pathogenic for Polycystic kidney disease, adult type. Last evaluated: 2024-05-17. Review status: criteria provided, single submitter. Criteria: ACMG Guidelines, 2015. Collection method: clinical testing. Allele origin: germline.

Literature cited by the submitters: PubMed 17574468 (cited by Women's Health and Genetics/Laboratory Corporation of America, LabCorp); PubMed 12482949 (cited by Women's Health and Genetics/Laboratory Corporation of America, LabCorp); PubMed 27782177 (cited by Women's Health and Genetics/Laboratory Corporation of America, LabCorp); PubMed 39705090 (cited by Women's Health and Genetics/Laboratory Corporation of America, LabCorp).

NM_001009944.3(PKD1):c.8558T>C (p.Phe2853Ser)

Gene: PKD1 (polycystin 1, transient receptor potential channel interacting; minus strand). Cytogenetic location: 16p13.3.
Variant type: single nucleotide variant.
Coding change: c.8558T>C on transcript NM_001009944.3 (MANE Select); coding-DNA position 8558, T replaced by C.
Protein change: p.Phe2853Ser; replaces phenylalanine 2853 with serine.
Molecular consequence: missense variant.
Genome position (GRCh38, 1-based): chr16:2,103,499, A>G on the plus strand (T>C on the coding strand, the complement: PKD1 is on the minus strand). VCF-style: chr16-2103499-A-G. GRCh37 (hg19) VCF-style: chr16-2153500-A-G.
Other names: c.8558T>C, p.Phe2853Ser (NM_000296.4); short protein forms F2853S.
Identifiers: ClinVar variation 3579165 (VCV003579165.3).
Genomic context (GRCh38, chr16:2,103,499, plus strand): 5'-GTGATGGCGCGCTCTGAGGCCAGCCGCTCGATGGGGATCTGGGCGCCGGCCTGTGTCTGG[A>G]ATGCCATCGAGGCCACCTTGGTGGAGACGGTGTAGTTGCTGATATAGCCAAAGGGAAAGG-3'
Protein context (NP_001009944.3, residues 2843-2863): TVSTKVASMA[Phe2853Ser]QTQAGAQIPI